The following is an entry in ClinVar:

NM_000400.4(ERCC2):c.1991T>G (p.Val664Gly)

Gene: ERCC2 (ERCC excision repair 2, TFIIH core complex helicase subunit; minus strand). Cytogenetic location: 19q13.32.
Variant type: single nucleotide variant.
Coding change: c.1991T>G on transcript NM_000400.4 (MANE Select); coding-DNA position 1991, T replaced by G.
Protein change: p.Val664Gly; replaces valine 664 with glycine.
Molecular consequence: missense variant.
Genome position (GRCh38, 1-based): chr19:45,352,561, A>C on the plus strand (T>G on the coding strand, the complement: ERCC2 is on the minus strand). VCF-style: chr19-45352561-A-C. GRCh37 (hg19) VCF-style: chr19-45855819-A-C.
Other names: short protein forms V664G.
Identifiers: ClinVar variation 3509888 (VCV003509888.1).

ClinVar aggregate classification (germline): Uncertain significance (1 of 4 stars; one submission).

Conditions:
Inborn genetic diseases. Identifiers: MedGen C0950123, MeSH D030342.

gnomAD v4.1: 2 of 1,613,988 alleles (0.00012%); highest among the groups gnomAD compares: Admixed American, 0.0033%; no homozygotes.

Submission:

Ambry Genetics
Classification: Uncertain significance for Inborn genetic diseases. Last evaluated: 2024-10-25. Review status: criteria provided, single submitter. Criteria: Ambry Variant Classification Scheme 2023. Collection method: clinical testing. Allele origin: germline.
Comment: The p.V664G variant (also known as c.1991T>G), located in coding exon 21 of the ERCC2 gene, results from a T to G substitution at nucleotide position 1991. The valine at codon 664 is replaced by glycine, an amino acid with dissimilar properties. This amino acid position is conserved. In addition, this alteration is predicted to be deleterious by in silico analysis. Based on the available evidence, the clinical significance of this variant remains unclear.